The following is an entry in ClinVar:

NM_000254.3(MTR):c.3144A>G (p.Ala1048=)

Gene: MTR (5-methyltetrahydrofolate-homocysteine methyltransferase; plus strand). Cytogenetic location: 1q43.
Variant type: single nucleotide variant.
Coding change: c.3144A>G on transcript NM_000254.3 (MANE Select); coding-DNA position 3144, A replaced by G.
Protein change: p.Ala1048=; no amino-acid change (alanine 1048 retained).
Molecular consequence: synonymous variant.
Genome position (GRCh38, 1-based): chr1:236,891,269, A>G. VCF-style: chr1-236891269-A-G. GRCh37 (hg19) VCF-style: chr1-237054569-A-G.
Other names: p.A1048A:GCA>GCG; p.Ala1048=; c.2991A>G, p.Ala997= (NM_001291939.1); c.1923A>G, p.Ala641= (NM_001291940.2).
Identifiers: ClinVar variation 138290 (VCV000138290.21), dbSNP rs2229276, ClinGen allele CA292215.

ClinVar aggregate classification (germline): Benign. Review status: criteria provided, multiple submitters, no conflicts (2 of 4 stars). 9 submissions from 9 submitters: Benign (7). 2 of the submissions do not count toward it. Last evaluated 2026-02-04.

Conditions:
Disorders of Intracellular Cobalamin Metabolism. Identifiers: MedGen CN043592.
Methylcobalamin deficiency type cblG (HMAG). Also called: HOMOCYSTINURIA-MEGALOBLASTIC ANEMIA, cblG COMPLEMENTATION TYPE; HOMOCYSTINURIA-MEGALOBLASTIC ANEMIA, cblG TYPE; HOMOCYSTINURIA-MEGALOBLASTIC ANEMIA DUE TO DEFECT IN COBALAMIN METABOLISM, cblG COMPLEMENTATION TYPE; Functional methionine synthase deficiency type cblG. Identifiers: Orphanet 2170, Orphanet 622, MedGen C1855128, MONDO:0009609, OMIM 250940.

Allele frequency attached by ClinVar (database versions not stated): 1000 Genomes Project 30x 0.31761; 1000 Genomes Project 0.32328; ESP Exome Variant Server 0.34054; TOPMed 0.34240; gnomAD 0.34551 and 0.34592; ExAC 0.38331; gnomAD exomes 0.38964.
gnomAD v4.1: 636,197 of 1,613,820 alleles (39%); highest among the groups gnomAD compares: East Asian, 46%; 128,404 homozygotes.

Submissions (9):

Labcorp Genetics (formerly Invitae), Labcorp
Classification: Benign for Methylcobalamin deficiency type cblG. Last evaluated: 2026-02-04. Review status: criteria provided, single submitter. Criteria: Invitae Variant Classification Sherloc (09022015). Collection method: clinical testing. Allele origin: germline.

Blueprint Genetics
Classification: Benign. Last evaluated: 2024-11-26. Review status: criteria provided, single submitter. Criteria: ACMG Guidelines, 2015. Collection method: clinical testing. Allele origin: germline.

Mayo Clinic Laboratories, Mayo Clinic
Classification: Benign. Last evaluated: 2022-03-03. Review status: criteria provided, single submitter. Criteria: ACMG Guidelines, 2015. Collection method: clinical testing. Allele origin: germline. Observed: 59 variant alleles.

Genome-Nilou Lab
Classification: Benign for Methylcobalamin deficiency type cblG. Last evaluated: 2021-09-05. Review status: criteria provided, single submitter. Criteria: ACMG Guidelines, 2015. Collection method: clinical testing. Allele origin: germline. Affected: no.

Illumina Laboratory Services, Illumina
Classification: Benign for Disorders of Intracellular Cobalamin Metabolism. Last evaluated: 2018-01-13. Review status: criteria provided, single submitter. Criteria: ICSL Variant Classification Criteria 13 December 2019. Collection method: clinical testing. Allele origin: germline.
Comment: This variant was observed in the ICSL laboratory as part of a predisposition screen in an ostensibly healthy population. It had not been previously curated by ICSL or reported in the Human Gene Mutation Database (HGMD: prior to June 1st, 2018), and was therefore a candidate for classification through an automated scoring system. Utilizing variant allele frequency, disease prevalence and penetrance estimates, and inheritance mode, an automated score was calculated to assess if this variant is too frequent to cause the disease. Based on the score and internal cut-off values, a variant classified as benign is not then subjected to further curation. The score for this variant resulted in a classification of benign for this disease.

GeneDx
Classification: Benign. Last evaluated: 2013-09-09. Review status: criteria provided, single submitter. Criteria: GeneDx Variant Classification (06012015). Collection method: clinical testing. Allele origin: germline. Affected: yes.
Comment: This variant is considered likely benign or benign based on one or more of the following criteria: it is a conservative change, it occurs at a poorly conserved position in the protein, it is predicted to be benign by multiple in silico algorithms, and/or has population frequency not consistent with disease.

Breakthrough Genomics
Classification: Benign. Review status: criteria provided, single submitter. Criteria: ACMG Guidelines, 2015. Collection method: not provided. Allele origin: germline. Inheritance: Autosomal recessive inheritance. Affected: yes.

Clinical Genetics, Academic Medical Center
Classification: Benign. Review status: no assertion criteria provided. Collection method: clinical testing. Allele origin: germline. Affected: yes. Study: VKGL Data-share Consensus. Not counted in ClinVar's aggregate classification.

Diagnostic Laboratory, Department of Genetics, University Medical Center Groningen
Classification: Benign. Review status: no assertion criteria provided. Collection method: clinical testing. Allele origin: germline. Affected: yes. Study: VKGL Data-share Consensus. Not counted in ClinVar's aggregate classification.